The following is an entry in ClinVar:

ClinVar aggregate classification (germline): Uncertain significance (1 of 4 stars; one submission).

Allele frequency attached by ClinVar (database versions not stated): gnomAD exomes below 0.00001; TOPMed below 0.00001; gnomAD 0.00001.
gnomAD v4.1: 2 of 1,614,070 alleles (0.00012%); highest among the groups gnomAD compares: Non-Finnish European, 0.00017%; no homozygotes.

Submission:

Labcorp Genetics (formerly Invitae), Labcorp
Classification: Uncertain significance. Last evaluated: 2024-02-09. Review status: criteria provided, single submitter. Criteria: Invitae Variant Classification Sherloc (09022015). Collection method: clinical testing. Allele origin: germline.
Comment: This sequence change replaces phenylalanine, which is neutral and non-polar, with isoleucine, which is neutral and non-polar, at codon 386 of the CLP1 protein (p.Phe386Ile). This variant is not present in population databases (gnomAD no frequency). This variant has not been reported in the literature in individuals affected with CLP1-related conditions. ClinVar contains an entry for this variant (Variation ID: 2188868). Advanced modeling of protein sequence and biophysical properties (such as structural, functional, and spatial information, amino acid conservation, physicochemical variation, residue mobility, and thermodynamic stability) has been performed at Invitae for this missense variant, however the output from this modeling did not meet the statistical confidence thresholds required to predict the impact of this variant on CLP1 protein function. In summary, the available evidence is currently insufficient to determine the role of this variant in disease. Therefore, it has been classified as a Variant of Uncertain Significance.

NM_006831.3(CLP1):c.1156T>A (p.Phe386Ile)

Gene: CLP1 (cleavage factor polyribonucleotide kinase subunit 1; plus strand). Cytogenetic location: 11q12.1.
Variant type: single nucleotide variant.
Coding change: c.1156T>A on transcript NM_006831.3 (MANE Select); coding-DNA position 1156, T replaced by A.
Protein change: p.Phe386Ile; replaces phenylalanine 386 with isoleucine.
Molecular consequence: missense variant.
Genome position (GRCh38, 1-based): chr11:57,661,314, T>A. VCF-style: chr11-57661314-T-A. GRCh37 (hg19) VCF-style: chr11-57428786-T-A.
Other names: c.964T>A, p.Phe322Ile (NM_001142597.2); short protein forms F322I, F386I.
Identifiers: ClinVar variation 2188868 (VCV002188868.4), dbSNP rs371843068, ClinGen allele CA223048578.